The following is an entry in ClinVar:

ClinVar aggregate classification (germline): Uncertain significance. Review status: criteria provided, multiple submitters, no conflicts (2 of 4 stars). 3 submissions from 3 submitters: Uncertain significance (3). Last evaluated 2026-01-26.

Conditions:
Hereditary cancer-predisposing syndrome. Also called: Tumor predisposition; Hereditary neoplastic syndrome; Neoplastic Syndromes, Hereditary; Hereditary Cancer Syndrome. Identifiers: Orphanet 140162, MedGen C0027672, MeSH D009386, MONDO:0015356.

Allele frequency attached by ClinVar (database versions not stated): gnomAD exomes below 0.00001.
gnomAD v4.1: 1 of 1,613,730 alleles (0.000062%); highest among the groups gnomAD compares: Non-Finnish European, 0.000085%; no homozygotes.

Submissions (3):

Labcorp Genetics (formerly Invitae), Labcorp
Classification: Uncertain significance. Last evaluated: 2026-01-26. Review status: criteria provided, single submitter. Criteria: Invitae Variant Classification Sherloc (09022015). Collection method: clinical testing. Allele origin: germline.
Comment: This sequence change replaces lysine, which is basic and polar, with glutamic acid, which is acidic and polar, at codon 76 of the POLE protein (p.Lys76Glu). This variant is present in population databases (no rsID available, gnomAD 0.0009%). This variant has not been reported in the literature in individuals affected with POLE-related conditions. ClinVar contains an entry for this variant (Variation ID: 845007). Invitae Evidence Modeling of protein sequence and biophysical properties (such as structural, functional, and spatial information, amino acid conservation, physicochemical variation, residue mobility, and thermodynamic stability) indicates that this missense variant is not expected to disrupt POLE protein function with a negative predictive value of 80%. In summary, the available evidence is currently insufficient to determine the role of this variant in disease. Therefore, it has been classified as a Variant of Uncertain Significance.

Ambry Genetics
Classification: Uncertain significance for Hereditary cancer-predisposing syndrome. Last evaluated: 2024-08-21. Review status: criteria provided, single submitter. Criteria: Ambry Variant Classification Scheme 2023. Collection method: clinical testing. Allele origin: germline.
Comment: The p.K76E variant (also known as c.226A>G), located in coding exon 3 of the POLE gene, results from an A to G substitution at nucleotide position 226. The lysine at codon 76 is replaced by glutamic acid, an amino acid with similar properties. This amino acid position is conserved. In addition, this alteration is predicted to be tolerated by in silico analysis. Based on the available evidence, the clinical significance of this variant remains unclear.

GeneDx
Classification: Uncertain significance. Last evaluated: 2021-04-09. Review status: criteria provided, single submitter. Criteria: GeneDx Variant Classification Process June 2021. Collection method: clinical testing. Allele origin: germline. Affected: yes.
Comment: Not observed at a significant frequency in large population cohorts (Lek et al., 2016); In silico analysis supports that this missense variant does not alter protein structure/function; Has not been previously published as pathogenic or benign to our knowledge

NM_006231.4(POLE):c.226A>G (p.Lys76Glu)

Gene: POLE (DNA polymerase epsilon, catalytic subunit; minus strand). Cytogenetic location: 12q24.33.
Variant type: single nucleotide variant.
Coding change: c.226A>G on transcript NM_006231.4 (MANE Select); coding-DNA position 226, A replaced by G.
Protein change: p.Lys76Glu; replaces lysine 76 with glutamic acid.
Molecular consequence: missense variant.
Genome position (GRCh38, 1-based): chr12:132,680,666, T>C on the plus strand (A>G on the coding strand, the complement: POLE is on the minus strand). VCF-style: chr12-132680666-T-C. GRCh37 (hg19) VCF-style: chr12-133257252-T-C.
Other names: short protein forms K76E.
Identifiers: ClinVar variation 845007 (VCV000845007.12), dbSNP rs1468404698, ClinGen allele CA387369294.